The following is an entry in ClinVar:

ClinVar aggregate classification (germline): Uncertain significance (1 of 4 stars; one submission).

Allele frequency attached by ClinVar (database versions not stated): gnomAD exomes 0.00001; ExAC 0.00002.
gnomAD v4.1: 19 of 1,614,104 alleles (0.0012%); highest among the groups gnomAD compares: Non-Finnish European, 0.0014%; no homozygotes.

Submission:

Labcorp Genetics (formerly Invitae), Labcorp
Classification: Uncertain significance. Last evaluated: 2023-06-15. Review status: criteria provided, single submitter. Criteria: Invitae Variant Classification Sherloc (09022015). Collection method: clinical testing. Allele origin: germline.
Comment: Advanced modeling of protein sequence and biophysical properties (such as structural, functional, and spatial information, amino acid conservation, physicochemical variation, residue mobility, and thermodynamic stability) performed at Invitae indicates that this missense variant is expected to disrupt PRPF6 protein function. In summary, the available evidence is currently insufficient to determine the role of this variant in disease. Therefore, it has been classified as a Variant of Uncertain Significance. This variant is present in population databases (rs776693034, gnomAD 0.003%). This sequence change replaces arginine, which is basic and polar, with tryptophan, which is neutral and slightly polar, at codon 855 of the PRPF6 protein (p.Arg855Trp). This missense change has been observed in individual(s) with early-onset high myopia (PMID: 29453956).

Literature cited by the submitters: PubMed 29453956.

NM_012469.4(PRPF6):c.2563C>T (p.Arg855Trp)

Gene: PRPF6 (pre-mRNA processing factor 6; plus strand). Cytogenetic location: 20q13.33.
Variant type: single nucleotide variant.
Coding change: c.2563C>T on transcript NM_012469.4 (MANE Select); coding-DNA position 2563, C replaced by T.
Protein change: p.Arg855Trp; replaces arginine 855 with tryptophan.
Molecular consequence: missense variant.
Genome position (GRCh38, 1-based): chr20:64,031,934, C>T. VCF-style: chr20-64031934-C-T. GRCh37 (hg19) VCF-style: chr20-62663287-C-T.
Other names: short protein forms R855W.
Identifiers: ClinVar variation 2910469 (VCV002910469.3), dbSNP rs776693034, ClinGen allele CA9972529.